The following is an entry in ClinVar:

ClinVar aggregate classification (germline): Uncertain significance (1 of 4 stars; one submission).

Conditions:
Chédiak-Higashi syndrome (CHS). Also called: Chediak-Higashi Syndrome. Identifiers: Orphanet 167, MedGen C0007965, MONDO:0008963, OMIM 214500.

Allele frequency attached by ClinVar (database versions not stated): gnomAD exomes below 0.00001; gnomAD 0.00001; TOPMed 0.00003.
gnomAD v4.1: 11 of 1,614,050 alleles (0.00068%); highest among the groups gnomAD compares: East Asian, 0.0067%; 1 homozygote.

Submission:

Labcorp Genetics (formerly Invitae), Labcorp
Classification: Uncertain significance for Chédiak-Higashi syndrome. Last evaluated: 2025-11-06. Review status: criteria provided, single submitter. Criteria: Invitae Variant Classification Sherloc (09022015). Collection method: clinical testing. Allele origin: germline.
Comment: This sequence change replaces serine, which is neutral and polar, with asparagine, which is neutral and polar, at codon 427 of the LYST protein (p.Ser427Asn). This variant is not present in population databases (gnomAD no frequency). This variant has not been reported in the literature in individuals affected with LYST-related conditions. ClinVar contains an entry for this variant (Variation ID: 1919014). Invitae Evidence Modeling of protein sequence and biophysical properties (such as structural, functional, and spatial information, amino acid conservation, physicochemical variation, residue mobility, and thermodynamic stability) indicates that this missense variant is not expected to disrupt LYST protein function with a negative predictive value of 80%. In summary, the available evidence is currently insufficient to determine the role of this variant in disease. Therefore, it has been classified as a Variant of Uncertain Significance.

NM_000081.4(LYST):c.1280G>A (p.Ser427Asn)

Gene: LYST (lysosomal trafficking regulator; minus strand). Cytogenetic location: 1q42.3.
Variant type: single nucleotide variant.
Coding change: c.1280G>A on transcript NM_000081.4 (MANE Select); coding-DNA position 1280, G replaced by A.
Protein change: p.Ser427Asn; replaces serine 427 with asparagine.
Molecular consequence: missense variant.
Genome position (GRCh38, 1-based): chr1:235,809,538, C>T on the plus strand (G>A on the coding strand, the complement: LYST is on the minus strand). VCF-style: chr1-235809538-C-T. GRCh37 (hg19) VCF-style: chr1-235972838-C-T.
Other names: c.1280G>A, p.Ser427Asn (NM_001301365.1); short protein forms S427N.
Identifiers: ClinVar variation 1919014 (VCV001919014.3), dbSNP rs1486029757, ClinGen allele CA344962765.